The following is an entry in ClinVar:

ClinVar aggregate classification (germline): Uncertain significance (1 of 4 stars; one submission).

Conditions:
Aortic valve disease 2 (AOVD2). Identifiers: MedGen C3542024, MONDO:0013902, OMIM 614823.

Submission:

Labcorp Genetics (formerly Invitae), Labcorp
Classification: Uncertain significance for Aortic valve disease 2. Last evaluated: 2021-05-22. Review status: criteria provided, single submitter. Criteria: Invitae Variant Classification Sherloc (09022015). Collection method: clinical testing. Allele origin: germline.
Comment: In summary, the available evidence is currently insufficient to determine the role of this variant in disease. Therefore, it has been classified as a Variant of Uncertain Significance. Algorithms developed to predict the effect of missense changes on protein structure and function are either unavailable or do not agree on the potential impact of this missense change (SIFT: "Tolerated"; PolyPhen-2: "Probably Damaging"; Align-GVGD: "Class C0"). This variant has not been reported in the literature in individuals with SMAD6-related conditions. The frequency data for this variant in the population databases is considered unreliable, as metrics indicate insufficient coverage at this position in the ExAC database. This sequence change replaces leucine with isoleucine at codon 128 of the SMAD6 protein (p.Leu128Ile). The leucine residue is highly conserved and there is a small physicochemical difference between leucine and isoleucine.

NM_005585.5(SMAD6):c.382C>A (p.Leu128Ile)

Gene: SMAD6 (SMAD family member 6; plus strand). Cytogenetic location: 15q22.31.
Variant type: single nucleotide variant.
Coding change: c.382C>A on transcript NM_005585.5 (MANE Select); coding-DNA position 382, C replaced by A.
Protein change: p.Leu128Ile; replaces leucine 128 with isoleucine.
Molecular consequence: missense variant. On other transcripts: non-coding transcript variant (1).
Genome position (GRCh38, 1-based): chr15:66,703,640, C>A. VCF-style: chr15-66703640-C-A. GRCh37 (hg19) VCF-style: chr15-66995978-C-A.
Other names: short protein forms L128I.
Identifiers: ClinVar variation 1483995 (VCV001483995.8), dbSNP rs1567091533, ClinGen allele CA392949439.